The following is an entry in ClinVar:

ClinVar aggregate classification (germline): Conflicting classifications of pathogenicity. Review status: criteria provided, conflicting classifications (1 of 4 stars). 3 submissions from 3 submitters: Likely pathogenic (1); Uncertain significance (2). Last evaluated 2024-04-16.

Conditions:
Hereditary cancer-predisposing syndrome. Also called: Tumor predisposition; Hereditary neoplastic syndrome; Hereditary Cancer Syndrome; Neoplastic Syndromes, Hereditary. Identifiers: Orphanet 140162, MedGen C0027672, MeSH D009386, MONDO:0015356.
Breast-ovarian cancer, familial, susceptibility to, 3. Also called: RAD51C-Related Breast/Ovarian Cancer. Identifiers: Orphanet 145, MedGen C3150659, MONDO:0013253, OMIM 613399.

Allele frequency attached by ClinVar (database versions not stated): gnomAD exomes below 0.00001; ExAC 0.00001.
gnomAD v4.1: 2 of 1,610,980 alleles (0.00012%); highest among the groups gnomAD compares: South Asian, 0.0011%; no homozygotes.

Submissions (3):

Myriad Genetics, Inc.
Classification: Likely pathogenic for Breast-ovarian cancer, familial, susceptibility to, 3. Last evaluated: 2024-04-16. Review status: criteria provided, single submitter. Criteria: Myriad Autosomal Dominant, Autosomal Recessive and X-Linked Classification Criteria (2023). Collection method: clinical testing. Allele origin: unknown.
Comment: This variant is considered likely pathogenic. Functional studies indicate this variant impacts protein function [PMID: 37253112]. This variant is expected to disrupt protein structure [Myriad internal data].

Ambry Genetics
Classification: Uncertain significance for Hereditary cancer-predisposing syndrome. Last evaluated: 2022-06-07. Review status: criteria provided, single submitter. Criteria: Ambry Variant Classification Scheme 2023. Collection method: clinical testing. Allele origin: germline.
Comment: The p.G130R variant (also known as c.388G>A), located in coding exon 2 of the RAD51C gene, results from a G to A substitution at nucleotide position 388. The glycine at codon 130 is replaced by arginine, an amino acid with dissimilar properties. This alteration was detected in 1/5589 German BRCA1/2-negative probands with breast cancer (Hauke J et al. Cancer Med, 2018 04;7:1349-1358). This amino acid position is highly conserved in available vertebrate species. In addition, this alteration is predicted to be deleterious by in silico analysis. Since supporting evidence is limited at this time, the clinical significance of this alteration remains unclear.

Hereditary Cancer Group, L’Institut d'Investigació Biomèdica de Bellvitge
Classification: Uncertain significance for Breast-ovarian cancer, familial, susceptibility to, 3. Last evaluated: 2021-05-03. Review status: criteria provided, single submitter. Criteria: ACMG Guidelines, 2015. Collection method: curation. Allele origin: germline.

Literature cited by the submitters: PubMed 37253112 (cited by Myriad Genetics, Inc.); PubMed 29522266 (cited by Ambry Genetics and Hereditary Cancer Group, L’Institut d'Investigació Biomèdica de Bellvitge).

NM_058216.3(RAD51C):c.388G>A (p.Gly130Arg)

Gene: RAD51C (RAD51 paralog C; plus strand). Cytogenetic location: 17q22.
Variant type: single nucleotide variant.
Coding change: c.388G>A on transcript NM_058216.3 (MANE Select); coding-DNA position 388, G replaced by A.
Protein change: p.Gly130Arg; replaces glycine 130 with arginine.
Molecular consequence: missense variant. On other transcripts: non-coding transcript variant (2).
Genome position (GRCh38, 1-based): chr17:58,695,173, G>A. VCF-style: chr17-58695173-G-A. GRCh37 (hg19) VCF-style: chr17-56772534-G-A.
Other names: c.388G>A (NM_058216.1); c.388G>A, p.Gly130Arg (NM_002876.4); short protein forms G130R.
Identifiers: ClinVar variation 1098891 (VCV001098891.4), dbSNP rs773293999, ClinGen allele CA8677203.